The following is an entry in ClinVar:

ClinVar aggregate classification (germline): Uncertain significance (1 of 4 stars; one submission).

Conditions:
Glycogen storage disease, type II (IOPD). Also called: Pompe Disease; CARDIOMEGALIA GLYCOGENICA DIFFUSA; GLYCOGENOSIS, GENERALIZED, CARDIAC FORM; GSD II; POMPE DISEASE, INFANTILE-ONSET; GLYCOGEN STORAGE DISEASE II, INFANTILE-ONSET. Identifiers: Orphanet 365, MedGen C0017921, MONDO:0009290, OMIM 232300.

gnomAD v4.1: 1 of 1,603,894 alleles (0.000062%); highest among the groups gnomAD compares: East Asian, 0.0022%; no homozygotes.

Submission:

Genomenon, Inc
Classification: Uncertain significance for Glycogen storage disease, type II. Last evaluated: 2026-07-01. Review status: criteria provided, single submitter. Criteria: Genomenon Sequence Variant Interpretation Standards - Updated. Collection method: curation. Allele origin: germline. Affected: yes.
Comment: GAA p.Val222Gly (c.665T>G) is a missense variant that changes the amino acid at codon 222 from Valine to Glycine. This variant has been observed in at least one proband with a GAA-related disorder in the compound heterozygous and/or homozygous state (PMID:30214072). It is absent or not present at a significant frequency in gnomAD. In silico models predict that this variant is possibly or probably damaging. In conclusion, we classify GAA p.Val222Gly (c.665T>G) as a variant of uncertain significance.

Literature cited by the submitters: PubMed 30214072.

NM_000152.5(GAA):c.665T>G (p.Val222Gly)

Gene: GAA (alpha glucosidase; plus strand). Cytogenetic location: 17q25.3.
Variant type: single nucleotide variant.
Coding change: c.665T>G on transcript NM_000152.5 (MANE Select); coding-DNA position 665, T replaced by G.
Protein change: p.Val222Gly; replaces valine 222 with glycine.
Molecular consequence: missense variant.
Genome position (GRCh38, 1-based): chr17:80,105,867, T>G. VCF-style: chr17-80105867-T-G. GRCh37 (hg19) VCF-style: chr17-78079666-T-G.
Other names: c.665T>G, p.Val222Gly (NM_001079803.3, NM_001079804.3, NM_001406741.1 and 1 more transcripts); short protein forms V222G.
Identifiers: ClinVar variation 4876284 (VCV004876284.1).
Genomic context (GRCh38, chr17:80,105,867, plus strand): 5'-GCCGGGCACCGTCCCCACTCTACAGCGTGGAGTTCTCCGAGGAGCCCTTCGGGGTGATCG[T>G]GCGCCGGCAGCTGGACGGCCGCGTGCTGTGAGTTCTGGGCTCTGTGCCAGCATGATGGGG-3'
Protein context (NP_000143.2, residues 212-232): EFSEEPFGVI[Val222Gly]RRQLDGRVLL